The following is an entry in ClinVar:

NM_004793.4(LONP1):c.635G>A (p.Arg212Lys)

Gene: LONP1 (lon peptidase 1, mitochondrial; minus strand). Cytogenetic location: 19p13.3.
Variant type: single nucleotide variant.
Coding change: c.635G>A on transcript NM_004793.4 (MANE Select); coding-DNA position 635, G replaced by A.
Protein change: p.Arg212Lys; replaces arginine 212 with lysine.
Molecular consequence: missense variant. On other transcripts: non-coding transcript variant (1).
Genome position (GRCh38, 1-based): chr19:5,713,137, C>T on the plus strand (G>A on the coding strand, the complement: LONP1 is on the minus strand). VCF-style: chr19-5713137-C-T. GRCh37 (hg19) VCF-style: chr19-5713148-C-T.
Other names: c.443G>A, p.Arg148Lys (NM_001276479.2); c.47G>A, p.Arg16Lys (NM_001276480.1); c.635G>A (NM_004793.3); short protein forms R212K, R148K, R16K.
Identifiers: ClinVar variation 2071245 (VCV002071245.5), dbSNP rs377610939, ClinGen allele CA9115055.

ClinVar aggregate classification (germline): Conflicting classifications of pathogenicity. Review status: criteria provided, conflicting classifications (1 of 4 stars). 2 submissions from 2 submitters: Uncertain significance (1); Likely benign (1). Last evaluated 2026-05-30.

Allele frequency attached by ClinVar (database versions not stated): ExAC 0.00003; ESP Exome Variant Server 0.00008; gnomAD 0.00002.

Submissions (2):

GeneDx
Classification: Uncertain significance. Last evaluated: 2026-05-30. Review status: criteria provided, single submitter. Criteria: GeneDx Variant Classification Process June 2021. Collection method: clinical testing. Allele origin: germline.
Comment: De novo variant with confirmed parentage in a patient with developmental disorder; however, a second LOPN1 variant was not reported, additional clinical information was not provided, and they were found to have additional de novo variants (PMID: 31785789); In silico analysis supports that this missense variant has a deleterious effect on protein structure/function; This variant is associated with the following publications: (PMID: 35982159, 33057194, 31785789)

Labcorp Genetics (formerly Invitae), Labcorp
Classification: Likely benign. Last evaluated: 2025-01-27. Review status: criteria provided, single submitter. Criteria: Invitae Variant Classification Sherloc (09022015). Collection method: clinical testing. Allele origin: germline.